The following is an entry in ClinVar:

NM_020975.6(RET):c.2689C>T (p.Arg897Ter)

Gene: RET (ret proto-oncogene; plus strand). Cytogenetic location: 10q11.21.
Variant type: single nucleotide variant.
Coding change: c.2689C>T on transcript NM_020975.6 (MANE Select); coding-DNA position 2689, C replaced by T.
Protein change: p.Arg897Ter; replaces arginine 897 with a stop codon.
Molecular consequence: nonsense.
Genome position (GRCh38, 1-based): chr10:43,120,162, C>T. VCF-style: chr10-43120162-C-T. GRCh37 (hg19) VCF-style: chr10-43615610-C-T.
Other names: c.2689C>T, p.Arg897Ter (NM_000323.2, NM_001406743.1, NM_001406744.1 and 4 more transcripts); c.1927C>T, p.Arg643Ter (NM_001355216.2); c.2560C>T, p.Arg854Ter (NM_001406761.1, NM_001406762.1, NM_001406764.1); c.2554C>T, p.Arg852Ter (NM_001406763.1, NM_001406765.1); c.2401C>T, p.Arg801Ter (NM_001406766.1, NM_001406767.1, NM_001406770.1); c.2425C>T, p.Arg809Ter (NM_001406768.1); c.2293C>T, p.Arg765Ter (NM_001406769.1, NM_001406772.1); c.2251C>T, p.Arg751Ter (NM_001406771.1, NM_001406773.1); and 10 more; short protein forms R897*, R643*, R558*, R598*, R765*, R414*, R567*, R722*.
Identifiers: ClinVar variation 405536 (VCV000405536.12), dbSNP rs1060500759, ClinGen allele CA16612889.
Genomic context (GRCh38, chr10:43,120,162, plus strand): 5'-GCCAGAAACATCCTGGTAGCTGAGGGGCGGAAGATGAAGATTTCGGATTTCGGCTTGTCC[C>T]GAGATGTTTATGAAGAGGATTCCTACGTGAAGAGGAGCCAGGTGCCCAGTCCCGGGGATG-3'

ClinVar aggregate classification (germline): Pathogenic. Review status: criteria provided, multiple submitters, no conflicts (2 of 4 stars). 2 submissions from 2 submitters: Pathogenic (2). Last evaluated 2022-04-11.

Conditions:
Multiple endocrine neoplasia, type 2 (MEN2). Identifiers: Orphanet 653, MedGen C4048306, MONDO:0019003. Disease mechanism: gain of function.

Submissions (2):

GeneDx
Classification: Pathogenic. Last evaluated: 2022-04-11. Review status: criteria provided, single submitter. Criteria: GeneDx Variant Classification Process June 2021. Collection method: clinical testing. Allele origin: germline. Affected: yes.
Comment: Nonsense variant predicted to result in protein truncation or nonsense mediated decay in a gene for which loss-of-function is a known mechanism of disease; Not observed at significant frequency in large population cohorts (gnomAD); Also known as p.Arg873Ter; This variant is associated with the following publications: (PMID: 25525159, 12632375)

Labcorp Genetics (formerly Invitae), Labcorp
Classification: Pathogenic for Multiple endocrine neoplasia, type 2. Last evaluated: 2017-03-07. Review status: criteria provided, single submitter. Criteria: Invitae Variant Classification Sherloc (09022015). Collection method: clinical testing. Allele origin: germline.
Comment: This sequence change creates a premature translational stop signal at codon 897 (p.Arg897*) of the RET gene. It is expected to result in an absent or disrupted protein product. While this particular variant has not been reported in the literature, truncating variants in RET are known to be pathogenic (PMID: 22648184, 22174939). For these reasons, this variant has been classified as Pathogenic.

Literature cited by the submitters: PubMed 22648184 (cited by Labcorp Genetics (formerly Invitae), Labcorp); PubMed 22174939 (cited by Labcorp Genetics (formerly Invitae), Labcorp).